The following is an entry in ClinVar:

NM_052867.4(NALCN):c.2744C>A (p.Ala915Glu)

Gene: NALCN (sodium leak channel, non-selective; minus strand). Cytogenetic location: 13q33.1.
Variant type: single nucleotide variant.
Coding change: c.2744C>A on transcript NM_052867.4 (MANE Select); coding-DNA position 2744, C replaced by A.
Protein change: p.Ala915Glu; replaces alanine 915 with glutamic acid.
Molecular consequence: missense variant.
Genome position (GRCh38, 1-based): chr13:101,104,543, G>T on the plus strand (C>A on the coding strand, the complement: NALCN is on the minus strand). VCF-style: chr13-101104543-G-T. GRCh37 (hg19) VCF-style: chr13-101756894-G-T.
Other names: c.2831C>A, p.Ala944Glu (NM_001350748.2); c.2744C>A, p.Ala915Glu (NM_001350749.2); c.2657C>A, p.Ala886Glu (NM_001350750.2, NM_001350751.2); short protein forms A886E, A915E, A944E.
Identifiers: ClinVar variation 3011531 (VCV003011531.3), dbSNP rs773223580, ClinGen allele CA7035605.
Genomic context (GRCh38, chr13:101,104,543, plus strand): 5'-TTTTACCTCCTAGTTGTAAGCTGAGATTTTGCAGCGGTAAGCGGTACCTGCAAAGTAGGT[G>T]CATGCATGACTCTTCGAAACGGGGACTCAAACATCATGGAAATGCAAGAGCAGATGGTTA-3'
Protein context (NP_443099.1, residues 905-925): FESPFRRVMH[Ala915Glu]PTLQIAEYVF

ClinVar aggregate classification (germline): Uncertain significance (1 of 4 stars; one submission).

Allele frequency attached by ClinVar (database versions not stated): ExAC 0.00002.
gnomAD v4.1: 4 of 1,614,004 alleles (0.00025%); highest among the groups gnomAD compares: Admixed American, 0.0067%; no homozygotes.

Submission:

Labcorp Genetics (formerly Invitae), Labcorp
Classification: Uncertain significance. Last evaluated: 2025-06-06. Review status: criteria provided, single submitter. Criteria: Invitae Variant Classification Sherloc (09022015). Collection method: clinical testing. Allele origin: germline.
Comment: This sequence change replaces alanine, which is neutral and non-polar, with glutamic acid, which is acidic and polar, at codon 915 of the NALCN protein (p.Ala915Glu). This variant is present in population databases (rs773223580, gnomAD 0.01%). This variant has not been reported in the literature in individuals affected with NALCN-related conditions. ClinVar contains an entry for this variant (Variation ID: 3011531). Invitae Evidence Modeling of protein sequence and biophysical properties (such as structural, functional, and spatial information, amino acid conservation, physicochemical variation, residue mobility, and thermodynamic stability) indicates that this missense variant is not expected to disrupt NALCN protein function with a negative predictive value of 80%. In summary, the available evidence is currently insufficient to determine the role of this variant in disease. Therefore, it has been classified as a Variant of Uncertain Significance.